The following is an entry in ClinVar:

NM_001388453.1(QRICH2):c.933G>A (p.Gly311=)

Gene: QRICH2 (glutamine rich 2; minus strand). Cytogenetic location: 17q25.1.
Variant type: single nucleotide variant.
Coding change: c.933G>A on transcript NM_001388453.1 (MANE Select); coding-DNA position 933, G replaced by A.
Protein change: p.Gly311=; no amino-acid change (glycine 311 retained).
Molecular consequence: synonymous variant.
Genome position (GRCh38, 1-based): chr17:76,293,794, C>T on the plus strand (G>A on the coding strand, the complement: QRICH2 is on the minus strand). VCF-style: chr17-76293794-C-T. GRCh37 (hg19) VCF-style: chr17-74289875-C-T.
Other names: c.933G>A, p.Gly311= (NM_032134.3).
Identifiers: ClinVar variation 3058861 (VCV003058861.2), dbSNP rs6501882, ClinGen allele CA8784390.

ClinVar aggregate classification (germline): Benign (0 of 4 stars; one submission).

Conditions:
QRICH2-related disorder. Also called: QRICH2-related condition.

Allele frequency attached by ClinVar (database versions not stated): gnomAD exomes 0.30920; ExAC 0.34886; gnomAD 0.40588; ESP Exome Variant Server 0.41596; TOPMed 0.42373; 1000 Genomes Project 0.46945; 1000 Genomes Project 30x 0.47096.
gnomAD v4.1: 514,884 of 1,613,242 alleles (32%); highest among the groups gnomAD compares: African/African-American, 66%; 89,924 homozygotes.

Submission:

PreventionGenetics, part of Exact Sciences
Classification: Benign for QRICH2-related condition. Last evaluated: 2019-10-18. Review status: no assertion criteria provided. Collection method: clinical testing. Allele origin: germline.
Comment: This variant is classified as benign based on ACMG/AMP sequence variant interpretation guidelines (Richards et al. 2015 PMID: 25741868, with internal and published modifications).